The following is an entry in ClinVar:

ClinVar aggregate classification (germline): Uncertain significance (1 of 4 stars; one submission).

Submission:

GeneDx
Classification: Uncertain significance. Last evaluated: 2014-01-02. Review status: criteria provided, single submitter. Criteria: GeneDx Variant Classification (06012015). Collection method: clinical testing. Allele origin: germline. Affected: yes.
Comment: MRE11A has been only recently described in association with cancer predisposition and the risks are not well understood. This variant is denoted MRE11A c.1564G>A at the cDNA level, p.Ala522Thr (A522T) at the protein level, and results in the change of an Alanine to a Threonine (GCT>ACT). This variant has not, to our knowledge, been published in the literature as pathogenic or benign. MRE11A Ala522Thr was not observed in approximately 6,500 individuals of European and African American ancestry in the NHLBI Exome Sequencing Project, indicating it is not a common benign variant in these populations. This variant is a non-conservative substitution in which a neutral non-polar amino acid is replaced with a neutral polar one, altering a position that is well conserved throughout evolution and is not located in a known functional domain. In silico analyses predict this variant to have a benign effect on protein structure and function. On a molecular level, the impact of this missense variant on protein structure and function is not known and thus we consider this to be a variant of uncertain significance. Furthermore, based on the currently available information, cancer risks associated with this variant, and the MRE11A gene, remain unclear.

NM_005591.4(MRE11):c.1564G>A (p.Ala522Thr)

Gene: MRE11 (MRE11 homolog, double strand break repair nuclease; minus strand). Cytogenetic location: 11q21.
Variant type: single nucleotide variant.
Coding change: c.1564G>A on transcript NM_005591.4 (MANE Select); coding-DNA position 1564, G replaced by A.
Protein change: p.Ala522Thr; replaces alanine 522 with threonine.
Molecular consequence: missense variant.
Genome position (GRCh38, 1-based): chr11:94,447,438, C>T on the plus strand (G>A on the coding strand, the complement: MRE11 is on the minus strand). VCF-style: chr11-94447438-C-T. GRCh37 (hg19) VCF-style: chr11-94180604-C-T.
Other names: p.A522T:GCT>ACT; c.1564G>A, p.Ala522Thr (NM_001330347.2, NM_005590.4); short protein forms A522T.
Identifiers: ClinVar variation 127973 (VCV000127973.2), dbSNP rs587780136, ClinGen allele CA288167.
Genomic context (GRCh38, chr11:94,447,438, plus strand): 5'-CACTAAAGGCAGAAGCAGACTCCTCTGACTGAGATCTGAGTGCTCTGGCCCTGGTCATAG[C>T]CTAAGAGGGAGAAGAAGGAGAAAGTACACACAATGAGATAACGTACCATCCTAAAAATCA-3'
Protein context (NP_005582.1, residues 512-532): TNEEDDEVRE[Ala522Thr]MTRARALRSQ